The following is an entry in ClinVar:

NM_000023.4(SGCA):c.608C>T (p.Ala203Val)

Gene: SGCA (sarcoglycan alpha; plus strand). Cytogenetic location: 17q21.33.
Variant type: single nucleotide variant.
Coding change: c.608C>T on transcript NM_000023.4 (MANE Select); coding-DNA position 608, C replaced by T.
Protein change: p.Ala203Val; replaces alanine 203 with valine.
Molecular consequence: missense variant. On other transcripts: non-coding transcript variant (1), intron variant (1).
Genome position (GRCh38, 1-based): chr17:50,169,115, C>T. VCF-style: chr17-50169115-C-T. GRCh37 (hg19) VCF-style: chr17-48246476-C-T.
Other names: c.584+543C>T (NM_001135697.3); short protein forms A203V.
Identifiers: ClinVar variation 2005121 (VCV002005121.4), dbSNP rs920493061, ClinGen allele CA291536740.

ClinVar aggregate classification (germline): Uncertain significance (1 of 4 stars; one submission).

Conditions:
Autosomal recessive limb-girdle muscular dystrophy type 2D (LGMDR3). Also called: MUSCULAR DYSTROPHY, LIMB-GIRDLE, AUTOSOMAL RECESSIVE 3; DUCHENNE-LIKE AUTOSOMAL RECESSIVE MUSCULAR DYSTROPHY, TYPE 2; ADHALINOPATHY, PRIMARY. Identifiers: Orphanet 62, MedGen C2936332, MONDO:0011968, OMIM 608099. Disease mechanism: Affects gamma-sarcoglycan and also disrupts the integrity of the entire sarcoglycan complex..

Allele frequency attached by ClinVar (database versions not stated): gnomAD 0.00001; TOPMed 0.00001.
gnomAD v4.1: 1 of 1,613,784 alleles (0.000062%); highest among the groups gnomAD compares: African/African-American, 0.0013%; no homozygotes.

Submission:

Labcorp Genetics (formerly Invitae), Labcorp
Classification: Uncertain significance for Autosomal recessive limb-girdle muscular dystrophy type 2D. Last evaluated: 2022-07-23. Review status: criteria provided, single submitter. Criteria: Invitae Variant Classification Sherloc (09022015). Collection method: clinical testing. Allele origin: germline.
Comment: In summary, the available evidence is currently insufficient to determine the role of this variant in disease. Therefore, it has been classified as a Variant of Uncertain Significance. Algorithms developed to predict the effect of sequence changes on RNA splicing suggest that this variant may disrupt the consensus splice site. Algorithms developed to predict the effect of missense changes on protein structure and function (SIFT, PolyPhen-2, Align-GVGD) all suggest that this variant is likely to be tolerated. This variant has not been reported in the literature in individuals affected with SGCA-related conditions. This variant is not present in population databases (gnomAD no frequency). This sequence change replaces alanine, which is neutral and non-polar, with valine, which is neutral and non-polar, at codon 203 of the SGCA protein (p.Ala203Val).